The following is an entry in ClinVar:

NM_013254.4(TBK1):c.1250C>T (p.Ala417Val)

Gene: TBK1 (TANK binding kinase 1; plus strand). Cytogenetic location: 12q14.2.
Variant type: single nucleotide variant.
Coding change: c.1250C>T on transcript NM_013254.4 (MANE Select); coding-DNA position 1250, C replaced by T.
Protein change: p.Ala417Val; replaces alanine 417 with valine.
Molecular consequence: missense variant.
Genome position (GRCh38, 1-based): chr12:64,485,927, C>T. VCF-style: chr12-64485927-C-T. GRCh37 (hg19) VCF-style: chr12-64879707-C-T.
Other names: short protein forms A417V.
Identifiers: ClinVar variation 4804675 (VCV004804675.2).

ClinVar aggregate classification (germline): Uncertain significance. Review status: criteria provided, multiple submitters, no conflicts (2 of 4 stars). 2 submissions from 2 submitters: Uncertain significance (2). Last evaluated 2026-07-01.

Conditions:
Frontotemporal dementia and/or amyotrophic lateral sclerosis 4. Also called: FTDALS4. Identifiers: Orphanet 275872, MedGen C4225325, MONDO:0014641, OMIM 616439.

gnomAD v4.1: 12 of 1,562,772 alleles (0.00077%); highest among the groups gnomAD compares: Admixed American, 0.02%; no homozygotes.

Submissions (2):

CeGaT Center for Human Genetics Tuebingen
Classification: Uncertain significance. Last evaluated: 2026-07-01. Review status: criteria provided, single submitter. Criteria: CeGaT Center For Human Genetics Tuebingen Variant Classification Criteria Version 2. Collection method: clinical testing. Allele origin: germline. Affected: yes. Observed: 1 variant allele.
Comment: TBK1: PM2, BP4

Labcorp Genetics (formerly Invitae), Labcorp
Classification: Uncertain significance for Frontotemporal dementia and/or amyotrophic lateral sclerosis 4. Last evaluated: 2025-03-23. Review status: criteria provided, single submitter. Criteria: Invitae Variant Classification Sherloc (09022015). Collection method: clinical testing. Allele origin: germline.
Comment: This sequence change replaces alanine, which is neutral and non-polar, with valine, which is neutral and non-polar, at codon 417 of the TBK1 protein (p.Ala417Val). This variant is present in population databases (rs752881330, gnomAD 0.03%). This variant has not been reported in the literature in individuals affected with TBK1-related conditions. An algorithm developed to predict the effect of missense changes on protein structure and function outputs the following: PolyPhen-2: "Benign". The valine amino acid residue is found in multiple mammalian species, which suggests that this missense change does not adversely affect protein function. In summary, the available evidence is currently insufficient to determine the role of this variant in disease. Therefore, it has been classified as a Variant of Uncertain Significance.